The following is an entry in ClinVar:

ClinVar aggregate classification (germline): Uncertain significance (1 of 4 stars; one submission).

Allele frequency attached by ClinVar (database versions not stated): TOPMed 0.00001; ExAC 0.00001.

Submission:

Labcorp Genetics (formerly Invitae), Labcorp
Classification: Uncertain significance. Last evaluated: 2023-03-24. Review status: criteria provided, single submitter. Criteria: Invitae Variant Classification Sherloc (09022015). Collection method: clinical testing. Allele origin: germline.
Comment: In summary, the available evidence is currently insufficient to determine the role of this variant in disease. Therefore, it has been classified as a Variant of Uncertain Significance. This sequence change replaces threonine, which is neutral and polar, with serine, which is neutral and polar, at codon 463 of the POC5 protein (p.Thr463Ser). This variant is present in population databases (rs760822511, gnomAD 0.006%). This variant has not been reported in the literature in individuals affected with POC5-related conditions. Algorithms developed to predict the effect of missense changes on protein structure and function output the following: SIFT: "Not Available"; PolyPhen-2: "Probably Damaging"; Align-GVGD: "Not Available". The serine amino acid residue is found in multiple mammalian species, which suggests that this missense change does not adversely affect protein function.

NM_001099271.2(POC5):c.1388C>G (p.Thr463Ser)

Gene: POC5 (POC5 centriolar protein; minus strand). Cytogenetic location: 5q13.3.
Variant type: single nucleotide variant.
Coding change: c.1388C>G on transcript NM_001099271.2 (MANE Select); coding-DNA position 1388, C replaced by G.
Protein change: p.Thr463Ser; replaces threonine 463 with serine.
Molecular consequence: missense variant.
Genome position (GRCh38, 1-based): chr5:75,685,226, G>C on the plus strand (C>G on the coding strand, the complement: POC5 is on the minus strand). VCF-style: chr5-75685226-G-C. GRCh37 (hg19) VCF-style: chr5-74981051-G-C.
Other names: c.1313C>G, p.Thr438Ser (NM_152408.3); short protein forms T463S, T438S.
Identifiers: ClinVar variation 2831320 (VCV002831320.3), dbSNP rs760822511, ClinGen allele CA3310329.